The following is an entry in ClinVar:

NM_019066.5(MAGEL2):c.1851G>T (p.Trp617Cys)

Gene: MAGEL2 (MAGE family member L2; minus strand). Cytogenetic location: 15q11.2.
Variant type: single nucleotide variant.
Coding change: c.1851G>T on transcript NM_019066.5 (MANE Select); coding-DNA position 1851, G replaced by T.
Protein change: p.Trp617Cys; replaces tryptophan 617 with cysteine.
Molecular consequence: missense variant.
Genome position (GRCh38, 1-based): chr15:23,645,892, C>A on the plus strand (G>T on the coding strand, the complement: MAGEL2 is on the minus strand). VCF-style: chr15-23645892-C-A. GRCh37 (hg19) VCF-style: chr15-23891039-C-A.
Other names: short protein forms W617C.
Identifiers: ClinVar variation 2819112 (VCV002819112.3), dbSNP rs867580210, ClinGen allele CA391333192.

ClinVar aggregate classification (germline): Uncertain significance (1 of 4 stars; one submission).

Submission:

Labcorp Genetics (formerly Invitae), Labcorp
Classification: Uncertain significance. Last evaluated: 2023-10-03. Review status: criteria provided, single submitter. Criteria: Invitae Variant Classification Sherloc (09022015). Collection method: clinical testing. Allele origin: germline.
Comment: This sequence change replaces tryptophan, which is neutral and slightly polar, with cysteine, which is neutral and slightly polar, at codon 617 of the MAGEL2 protein (p.Trp617Cys). This variant is not present in population databases (gnomAD no frequency). This variant has not been reported in the literature in individuals affected with MAGEL2-related conditions. Advanced modeling of protein sequence and biophysical properties (such as structural, functional, and spatial information, amino acid conservation, physicochemical variation, residue mobility, and thermodynamic stability) has been performed at Invitae for this missense variant, however the output from this modeling did not meet the statistical confidence thresholds required to predict the impact of this variant on MAGEL2 protein function. In summary, the available evidence is currently insufficient to determine the role of this variant in disease. Therefore, it has been classified as a Variant of Uncertain Significance.